The following is an entry in ClinVar:

ClinVar aggregate classification (germline): Uncertain significance (1 of 4 stars; one submission).

Submission:

Labcorp Genetics (formerly Invitae), Labcorp
Classification: Uncertain significance. Last evaluated: 2025-01-07. Review status: criteria provided, single submitter. Criteria: Invitae Variant Classification Sherloc (09022015). Collection method: clinical testing. Allele origin: germline.
Comment: This sequence change falls in intron 7 of the ANKZF1 gene. It does not directly change the encoded amino acid sequence of the ANKZF1 protein. It affects a nucleotide within the consensus splice site. This variant is present in population databases (no rsID available, gnomAD 0.003%). This variant has not been reported in the literature in individuals affected with ANKZF1-related conditions. Variants that disrupt the consensus splice site are a relatively common cause of aberrant splicing (PMID: 17576681, 9536098). Algorithms developed to predict the effect of sequence changes on RNA splicing suggest that this variant is not likely to affect RNA splicing. In summary, the available evidence is currently insufficient to determine the role of this variant in disease. Therefore, it has been classified as a Variant of Uncertain Significance.

Literature cited by the submitters: PubMed 17576681; PubMed 9536098.

NM_018089.3(ANKZF1):c.820-3T>C

Gene: ANKZF1 (ankyrin repeat and zinc finger peptidyl tRNA hydrolase 1; plus strand). Cytogenetic location: 2q35.
Variant type: single nucleotide variant.
Coding change: c.820-3T>C on transcript NM_018089.3 (MANE Select); 3 bases into the intron before coding-DNA position 820, T replaced by C.
Molecular consequence: intron variant.
Genome position (GRCh38, 1-based): chr2:219,233,712, T>C. VCF-style: chr2-219233712-T-C. GRCh37 (hg19) VCF-style: chr2-220098434-T-C.
Other names: c.820-3T>C (NM_001042410.2); c.190-3T>C (NM_001282792.2).
Identifiers: ClinVar variation 3676868 (VCV003676868.2).
Genomic context (GRCh38, chr2:219,233,712, plus strand): 5'-TTTAGTTGGAGATTTATAAATAGCAAGTGAAGGTATGCAGGACTGAGTTACTCTCTTCTC[T>C]AGGATGTTCGTGACCTGCTGGCAGGGCCAAGCTGGGCTAAGGCGCTGGAGGAGGCTGGTA-3'